The following is an entry in ClinVar:

ClinVar aggregate classification (germline): Conflicting classifications of pathogenicity. Review status: criteria provided, conflicting classifications (1 of 4 stars). 7 submissions from 7 submitters: Uncertain significance (6); Likely benign (1). Last evaluated 2026-02-11.

Conditions:
ETV6-related disorder. Also called: ETV6-related condition.
Inborn genetic diseases. Identifiers: MedGen C0950123, MeSH D030342.
Thrombocytopenia 5 (THC5). Also called: THROMBOCYTOPENIA 5 WITH INCREASED SUSCEPTIBILITY TO MALIGNANCY; THROMBOCYTOPENIA, AUTOSOMAL DOMINANT, 5. Identifiers: MedGen C4015537, MONDO:0014536, OMIM 616216.

Allele frequency attached by ClinVar (database versions not stated): ESP Exome Variant Server 0.00008; gnomAD 0.00015; gnomAD exomes 0.00015; ExAC 0.00016; TOPMed 0.00016; 1000 Genomes Project 0.00040; 1000 Genomes Project 30x 0.00047.
gnomAD v4.1: 249 of 1,607,476 alleles (0.015%); highest among the groups gnomAD compares: Admixed American, 0.027%; no homozygotes.

Submissions (7):

St. Jude Molecular Pathology, St. Jude Children's Research Hospital
Classification: Uncertain significance for Thrombocytopenia 5. Last evaluated: 2026-02-11. Review status: criteria provided, single submitter. Criteria: St. Jude Assertion Criteria 2020. Collection method: clinical testing. Allele origin: germline.
Comment: The ETV6 c.985G>A p.(Ala329Thr) missense change has a maximum subpopulation frequency of 0.03% in gn omAD v2.1.1. The in silico tool REVEL predicts a benign effect on protein function, but to our knowledge this prediction has not been confirmed by functional studies. This variant has been reported in an individual wit h acute lymphoblastic leukemia (PMID: 26522332). In summary, the evidence currently available is insufficient to determine the clinical significance of this variant. It has therefore been classified as of uncertain significance.

Labcorp Genetics (formerly Invitae), Labcorp
Classification: Uncertain significance. Last evaluated: 2025-12-28. Review status: criteria provided, single submitter. Criteria: Invitae Variant Classification Sherloc (09022015). Collection method: clinical testing. Allele origin: germline.
Comment: This sequence change replaces alanine, which is neutral and non-polar, with threonine, which is neutral and polar, at codon 329 of the ETV6 protein (p.Ala329Thr). This variant is present in population databases (rs184240587, gnomAD 0.03%). This missense change has been observed in individual(s) with acute lymphoblastic leukemia (PMID: 26522332, 32693409). ClinVar contains an entry for this variant (Variation ID: 1800530). Invitae Evidence Modeling of protein sequence and biophysical properties (such as structural, functional, and spatial information, amino acid conservation, physicochemical variation, residue mobility, and thermodynamic stability) indicates that this missense variant is not expected to disrupt ETV6 protein function with a negative predictive value of 80%. In summary, the available evidence is currently insufficient to determine the role of this variant in disease. Therefore, it has been classified as a Variant of Uncertain Significance.

Ambry Genetics
Classification: Uncertain significance for Inborn genetic diseases. Last evaluated: 2024-12-11. Review status: criteria provided, single submitter. Criteria: Ambry Variant Classification Scheme 2023. Collection method: clinical testing. Allele origin: germline.
Comment: The p.A329T variant (also known as c.985G>A), located in coding exon 5 of the ETV6 gene, results from a G to A substitution at nucleotide position 985. The alanine at codon 329 is replaced by threonine, an amino acid with similar properties. This variant has been reported in an individual with ETV6-related disease as well as healthy controls (Moriyama T et al. Lancet Oncol, 2015 Dec;16:1659-66); Nishii R et al. Blood, 2021 Jan;137:364-373). This amino acid position is well conserved in available vertebrate species. In addition, this alteration is predicted to be tolerated by in silico analysis. Based on the available evidence, the clinical significance of this variant remains unclear.

Women's Health and Genetics/Laboratory Corporation of America, LabCorp
Classification: Uncertain significance. Last evaluated: 2023-12-18. Review status: criteria provided, single submitter. Criteria: LabCorp Variant Classification Summary - May 2015. Collection method: clinical testing. Allele origin: germline.
Comment: Variant summary: ETV6 c.985G>A (p.Ala329Thr) results in a non-conservative amino acid change in the encoded protein sequence. Three of five in-silico tools predict a benign effect of the variant on protein function. The variant allele was found at a frequency of 0.00015 in 244014 control chromosomes (gnomAD). c.985G>A has been reported in the literature in individuals affected with acute lymphoblastic leukemia (examples: Moriyama_2015, Nishii_2021). These report(s) do not provide unequivocal conclusions about association of the variant with Thrombocytopenia 5. To our knowledge, no experimental evidence demonstrating an impact on protein function has been reported. The following publications have been ascertained in the context of this evaluation (PMID: 32693409, 26522332). Three submitters have cited clinical-significance assessments for this variant to ClinVar after 2014. All submitters classified the variant as uncertain significance. Based on the evidence outlined above, the variant was classified as uncertain significance.

PreventionGenetics, part of Exact Sciences
Classification: Uncertain significance for ETV6-related condition. Last evaluated: 2022-10-26. Review status: criteria provided, single submitter. Criteria: ACMG Guidelines, 2015. Collection method: clinical testing. Allele origin: germline.
Comment: The ETV6 c.985G>A variant is predicted to result in the amino acid substitution p.Ala329Thr. This variant has been reported in a patient’s lesions with benign metastasizing leiomyoma (Ofori et al. 2019. PubMed ID: 30989050). This variant is reported in 0.031% of alleles in individuals of Latino descent in gnomAD. This variant is not reported in the ClinVar database. At this time, the clinical significance of this variant is uncertain due to the absence of conclusive functional and genetic evidence.

Blueprint Genetics
Classification: Likely benign. Last evaluated: 2022-07-06. Review status: criteria provided, single submitter. Criteria: ACMG Guidelines, 2015. Collection method: clinical testing. Allele origin: germline.

GeneDx
Classification: Uncertain significance. Last evaluated: 2022-05-19. Review status: criteria provided, single submitter. Criteria: GeneDx Variant Classification Process June 2021. Collection method: clinical testing. Allele origin: germline. Affected: yes.
Comment: In silico analysis supports that this missense variant does not alter protein structure/function; Has not been previously published as a germline pathogenic or benign variant to our knowledge; This variant is associated with the following publications: (PMID: 32241844)

Literature cited by the submitters: PubMed 26522332 (cited by 3 submitters); PubMed 32693409 (cited by 3 submitters); PubMed 21680795 (cited by Women's Health and Genetics/Laboratory Corporation of America, LabCorp); PubMed 21714648 (cited by Women's Health and Genetics/Laboratory Corporation of America, LabCorp); PubMed 15806161 (cited by Women's Health and Genetics/Laboratory Corporation of America, LabCorp); PubMed 24904105 (cited by Women's Health and Genetics/Laboratory Corporation of America, LabCorp); PubMed 18305557 (cited by Women's Health and Genetics/Laboratory Corporation of America, LabCorp); PubMed 26102509 (cited by Women's Health and Genetics/Laboratory Corporation of America, LabCorp); PubMed 9694803 (cited by Women's Health and Genetics/Laboratory Corporation of America, LabCorp); PubMed 24997145 (cited by Women's Health and Genetics/Laboratory Corporation of America, LabCorp); PubMed 27895058 (cited by Women's Health and Genetics/Laboratory Corporation of America, LabCorp).

NM_001987.5(ETV6):c.985G>A (p.Ala329Thr)

Gene: ETV6 (ETS variant transcription factor 6; plus strand). Cytogenetic location: 12p13.2.
Variant type: single nucleotide variant.
Coding change: c.985G>A on transcript NM_001987.5 (MANE Select); coding-DNA position 985, G replaced by A.
Protein change: p.Ala329Thr; replaces alanine 329 with threonine.
Molecular consequence: missense variant.
Genome position (GRCh38, 1-based): chr12:11,869,945, G>A. VCF-style: chr12-11869945-G-A. GRCh37 (hg19) VCF-style: chr12-12022879-G-A.
Other names: c.982G>A, p.Ala328Thr (NM_001413913.1); c.958G>A, p.Ala320Thr (NM_001413914.1); c.721G>A, p.Ala241Thr (NM_001413915.1); c.985G>A, p.Ala329Thr (NM_001413916.1, NM_001413917.1); short protein forms A241T, A320T, A328T, A329T.
Identifiers: ClinVar variation 1800530 (VCV001800530.11), dbSNP rs184240587, ClinGen allele CA6454367.